The following is an entry in ClinVar:

ClinVar aggregate classification (germline): Uncertain significance (1 of 4 stars; one submission).

Conditions:
Pallister-Hall syndrome (PHS). Also called: GLI3-Related Pallister-Hall Syndrome; HYPOTHALAMIC HAMARTOBLASTOMA, HYPOPITUITARISM, IMPERFORATE ANUS, AND POSTAXIAL POLYDACTYLY. Identifiers: Orphanet 672, MedGen C0265220, MONDO:0007804, OMIM 146510.
Greig cephalopolysyndactyly syndrome (GCPS). Also called: POLYSYNDACTYLY WITH PECULIAR SKULL SHAPE; Greig syndrome; GLI3-Related Greig Cephalopolysyndactyly Syndrome. Identifiers: Orphanet 380, MedGen C0265306, MONDO:0008287, OMIM 175700.

gnomAD v4.1: 4 of 1,613,972 alleles (0.00025%); highest among the groups gnomAD compares: East Asian, 0.0022%; no homozygotes.

Submission:

Labcorp Genetics (formerly Invitae), Labcorp
Classification: Uncertain significance for Pallister-Hall syndrome; Greig cephalopolysyndactyly syndrome. Last evaluated: 2026-01-24. Review status: criteria provided, single submitter. Criteria: Invitae Variant Classification Sherloc (09022015). Collection method: clinical testing. Allele origin: germline.
Comment: This sequence change replaces alanine, which is neutral and non-polar, with valine, which is neutral and non-polar, at codon 697 of the GLI3 protein (p.Ala697Val). This variant is not present in population databases (gnomAD no frequency). This variant has not been reported in the literature in individuals affected with GLI3-related conditions. Invitae Evidence Modeling of protein sequence and biophysical properties (such as structural, functional, and spatial information, amino acid conservation, physicochemical variation, residue mobility, and thermodynamic stability) indicates that this missense variant is not expected to disrupt GLI3 protein function with a negative predictive value of 95%. Algorithms developed to predict the effect of sequence changes on RNA splicing suggest that this variant may create or strengthen a splice site. In summary, the available evidence is currently insufficient to determine the role of this variant in disease. Therefore, it has been classified as a Variant of Uncertain Significance.

NM_000168.6(GLI3):c.2090C>T (p.Ala697Val)

Gene: GLI3 (GLI family zinc finger 3; minus strand). Cytogenetic location: 7p14.1.
Variant type: single nucleotide variant.
Coding change: c.2090C>T on transcript NM_000168.6 (MANE Select); coding-DNA position 2090, C replaced by T.
Protein change: p.Ala697Val; replaces alanine 697 with valine.
Molecular consequence: missense variant.
Genome position (GRCh38, 1-based): chr7:41,972,350, G>A on the plus strand (C>T on the coding strand, the complement: GLI3 is on the minus strand). VCF-style: chr7-41972350-G-A. GRCh37 (hg19) VCF-style: chr7-42011949-G-A.
Other names: short protein forms A697V.
Identifiers: ClinVar variation 4789181 (VCV004789181.1).
Genomic context (GRCh38, chr7:41,972,350, plus strand): 5'-TTTTAAATGGGCCTGCTGTGAAGTCAGAAGGAGAGTGAATGACATACCATTGGCTTCTCT[G>A]CCTTGACGGTTTTCACCTGGAGGCATTCTTCCCGCTTTGAGGTAGTGTTGCTGAGGTCCT-3'
Protein context (NP_000159.3, residues 687-707): EECLQVKTVK[Ala697Val]EKPMTSQPSP